The following is an entry in ClinVar:

NM_005012.4(ROR1):c.2423C>T (p.Pro808Leu)

Gene: ROR1 (receptor tyrosine kinase like orphan receptor 1; plus strand). Cytogenetic location: 1p31.3.
Variant type: single nucleotide variant.
Coding change: c.2423C>T on transcript NM_005012.4 (MANE Select); coding-DNA position 2423, C replaced by T.
Protein change: p.Pro808Leu; replaces proline 808 with leucine.
Molecular consequence: missense variant.
Genome position (GRCh38, 1-based): chr1:64,178,464, C>T. VCF-style: chr1-64178464-C-T. GRCh37 (hg19) VCF-style: chr1-64644147-C-T.
Other names: short protein forms P808L.
Identifiers: ClinVar variation 2267493 (VCV002267493.5), dbSNP rs551069295, ClinGen allele CA890418.

ClinVar aggregate classification (germline): Uncertain significance. Review status: criteria provided, multiple submitters, no conflicts (2 of 4 stars). 2 submissions from 2 submitters: Uncertain significance (2). Last evaluated 2024-12-07.

Allele frequency attached by ClinVar (database versions not stated): gnomAD exomes 0.00001; ExAC 0.00002; gnomAD 0.00003; TOPMed 0.00003; 1000 Genomes Project 30x 0.00016; 1000 Genomes Project 0.00020.
gnomAD v4.1: 25 of 1,614,174 alleles (0.0015%); highest among the groups gnomAD compares: Admixed American, 0.0033%; no homozygotes.

Submissions (2):

Labcorp Genetics (formerly Invitae), Labcorp
Classification: Uncertain significance. Last evaluated: 2024-12-07. Review status: criteria provided, single submitter. Criteria: Invitae Variant Classification Sherloc (09022015). Collection method: clinical testing. Allele origin: germline.
Comment: This sequence change replaces proline, which is neutral and non-polar, with leucine, which is neutral and non-polar, at codon 808 of the ROR1 protein (p.Pro808Leu). This variant is present in population databases (rs551069295, gnomAD 0.004%). This variant has not been reported in the literature in individuals affected with ROR1-related conditions. ClinVar contains an entry for this variant (Variation ID: 2267493). Invitae Evidence Modeling of protein sequence and biophysical properties (such as structural, functional, and spatial information, amino acid conservation, physicochemical variation, residue mobility, and thermodynamic stability) indicates that this missense variant is not expected to disrupt ROR1 protein function with a negative predictive value of 80%. In summary, the available evidence is currently insufficient to determine the role of this variant in disease. Therefore, it has been classified as a Variant of Uncertain Significance.

Ambry Genetics
Classification: Uncertain significance. Last evaluated: 2024-05-02. Review status: criteria provided, single submitter. Criteria: Ambry Variant Classification Scheme 2023. Collection method: clinical testing. Allele origin: germline.